The following is an entry in ClinVar:

ClinVar aggregate classification (germline): Uncertain significance (1 of 4 stars; one submission).

Submission:

Ambry Genetics
Classification: Uncertain significance. Last evaluated: 2025-06-21. Review status: criteria provided, single submitter. Criteria: Ambry Variant Classification Scheme 2023. Collection method: clinical testing. Allele origin: germline.
Comment: The p.I1083V variant (also known as c.3247A>G), located in coding exon 28 of the KIF1B gene, results from an A to G substitution at nucleotide position 3247. The isoleucine at codon 1083 is replaced by valine, an amino acid with highly similar properties. This amino acid position is conserved. In addition, this alteration is predicted to be tolerated by in silico analysis. Since supporting evidence is limited at this time, the clinical significance of this alteration remains unclear.

NM_001365951.3(KIF1B):c.3385A>G (p.Ile1129Val)

Gene: KIF1B (kinesin family member 1B; plus strand). Cytogenetic location: 1p36.22.
Variant type: single nucleotide variant.
Coding change: c.3385A>G on transcript NM_001365951.3 (MANE Select); coding-DNA position 3385, A replaced by G.
Protein change: p.Ile1129Val; replaces isoleucine 1129 with valine.
Molecular consequence: missense variant.
Genome position (GRCh38, 1-based): chr1:10,337,496, A>G. VCF-style: chr1-10337496-A-G. GRCh37 (hg19) VCF-style: chr1-10397554-A-G.
Other names: c.3385A>G, p.Ile1129Val (NM_001365952.1); c.3247A>G, p.Ile1083Val (NM_015074.3); short protein forms I1129V, I1083V.
Identifiers: ClinVar variation 2561689 (VCV002561689.3), dbSNP rs1652223166, ClinGen allele CA338340669.